The following is an entry in ClinVar:

ClinVar aggregate classification (germline): Uncertain significance. Review status: criteria provided, multiple submitters, no conflicts (2 of 4 stars). 2 submissions from 2 submitters: Uncertain significance (2). Last evaluated 2025-11-11.

Conditions:
Hereditary cancer-predisposing syndrome. Also called: Neoplastic Syndromes, Hereditary; Tumor predisposition; Hereditary neoplastic syndrome; Hereditary Cancer Syndrome. Identifiers: Orphanet 140162, MedGen C0027672, MeSH D009386, MONDO:0015356.

Allele frequency attached by ClinVar (database versions not stated): gnomAD exomes below 0.00001.
gnomAD v4.1: 4 of 1,613,086 alleles (0.00025%); highest among the groups gnomAD compares: Non-Finnish European, 0.00025%; no homozygotes.

Submissions (2):

Ambry Genetics
Classification: Uncertain significance for Hereditary cancer-predisposing syndrome. Last evaluated: 2025-11-11. Review status: criteria provided, single submitter. Criteria: Ambry Variant Classification Scheme 2023. Collection method: clinical testing. Allele origin: germline.
Comment: The p.A1046V variant (also known as c.3137C>T), located in coding exon 23 of the MSH3 gene, results from a C to T substitution at nucleotide position 3137. The alanine at codon 1046 is replaced by valine, an amino acid with similar properties. This amino acid position is poorly conserved in available vertebrate species. In addition, this alteration is predicted to be tolerated by in silico analysis. Since supporting evidence is limited at this time, the clinical significance of this alteration remains unclear.

Labcorp Genetics (formerly Invitae), Labcorp
Classification: Uncertain significance. Last evaluated: 2025-11-11. Review status: criteria provided, single submitter. Criteria: Invitae Variant Classification Sherloc (09022015). Collection method: clinical testing. Allele origin: germline.
Comment: This sequence change replaces alanine, which is neutral and non-polar, with valine, which is neutral and non-polar, at codon 1046 of the MSH3 protein (p.Ala1046Val). This variant is not present in population databases (gnomAD no frequency). This variant has not been reported in the literature in individuals affected with MSH3-related conditions. ClinVar contains an entry for this variant (Variation ID: 662495). An algorithm developed to predict the effect of missense changes on protein structure and function (PolyPhen-2) suggests that this variant is likely to be tolerated. In summary, the available evidence is currently insufficient to determine the role of this variant in disease. Therefore, it has been classified as a Variant of Uncertain Significance.

NM_002439.5(MSH3):c.3137C>T (p.Ala1046Val)

Gene: MSH3 (mutS homolog 3; plus strand). Cytogenetic location: 5q14.1.
Variant type: single nucleotide variant.
Coding change: c.3137C>T on transcript NM_002439.5 (MANE Select); coding-DNA position 3137, C replaced by T.
Protein change: p.Ala1046Val; replaces alanine 1046 with valine.
Molecular consequence: missense variant.
Genome position (GRCh38, 1-based): chr5:80,873,122, C>T. VCF-style: chr5-80873122-C-T. GRCh37 (hg19) VCF-style: chr5-80168941-C-T.
Other names: short protein forms A1046V.
Identifiers: ClinVar variation 662495 (VCV000662495.14), dbSNP rs1580104275, ClinGen allele CA360346795.